The following is an entry in ClinVar:

NM_000179.3(MSH6):c.1408T>C (p.Ser470Pro)

Gene: MSH6 (mutS homolog 6; plus strand). Cytogenetic location: 2p16.3.
Variant type: single nucleotide variant.
Coding change: c.1408T>C on transcript NM_000179.3 (MANE Select); coding-DNA position 1408, T replaced by C.
Protein change: p.Ser470Pro; replaces serine 470 with proline.
Molecular consequence: missense variant.
Genome position (GRCh38, 1-based): chr2:47,799,391, T>C. VCF-style: chr2-47799391-T-C. GRCh37 (hg19) VCF-style: chr2-48026530-T-C.
Other names: c.1018T>C, p.Ser340Pro (NM_001281492.2); c.502T>C, p.Ser168Pro (NM_001281493.2, NM_001281494.2, NM_001406811.1 and 6 more transcripts); c.1504T>C, p.Ser502Pro (NM_001406795.1, NM_001406802.1); c.1408T>C, p.Ser470Pro (NM_001406796.1, NM_001406798.1, NM_001406800.1 and 4 more transcripts); c.1111T>C, p.Ser371Pro (NM_001406797.1, NM_001406801.1, NM_001406805.1 and 10 more transcripts); c.883T>C, p.Ser295Pro (NM_001406799.1, NM_001406806.1, NM_001406807.1); c.1330T>C, p.Ser444Pro (NM_001406804.1); c.1414T>C, p.Ser472Pro (NM_001406813.1); and 1 more; short protein forms S414P, S168P, S295P, S371P, S470P, S502P, S340P, S444P.
Identifiers: ClinVar variation 1771960 (VCV001771960.2), dbSNP rs2104341947, ClinGen allele CA346745270.

ClinVar aggregate classification (germline): Uncertain significance (1 of 4 stars; one submission).

Conditions:
Hereditary cancer-predisposing syndrome. Also called: Hereditary Cancer Syndrome; Hereditary neoplastic syndrome; Neoplastic Syndromes, Hereditary; Tumor predisposition. Identifiers: Orphanet 140162, MedGen C0027672, MeSH D009386, MONDO:0015356.

Submission:

Ambry Genetics
Classification: Uncertain significance for Hereditary cancer-predisposing syndrome. Last evaluated: 2022-08-22. Review status: criteria provided, single submitter. Criteria: Ambry Variant Classification Scheme 2023. Collection method: clinical testing. Allele origin: germline.
Comment: The p.S470P variant (also known as c.1408T>C), located in coding exon 4 of the MSH6 gene, results from a T to C substitution at nucleotide position 1408. The serine at codon 470 is replaced by proline, an amino acid with similar properties. This amino acid position is highly conserved in available vertebrate species. In addition, this alteration is predicted to be deleterious by in silico analysis. Since supporting evidence is limited at this time, the clinical significance of this alteration remains unclear.